The following is an entry in ClinVar:

ClinVar aggregate classification (germline): Uncertain significance. Review status: criteria provided, multiple submitters, no conflicts (2 of 4 stars). 2 submissions from 2 submitters: Uncertain significance (2). Last evaluated 2024-11-24.

Conditions:
Fanconi anemia (FA). Also called: Fanconi's anemia. Identifiers: Orphanet 84, MedGen C0015625, MeSH D005199, MONDO:0019391.
Inborn genetic diseases. Identifiers: MedGen C0950123, MeSH D030342.

Allele frequency attached by ClinVar (database versions not stated): 1000 Genomes Project 30x 0.00031; 1000 Genomes Project 0.00040.
gnomAD v4.1: 4 of 1,612,332 alleles (0.00025%); highest among the groups gnomAD compares: African/African-American, 0.0027%; no homozygotes.

Submissions (2):

Ambry Genetics
Classification: Uncertain significance for Inborn genetic diseases. Last evaluated: 2024-11-24. Review status: criteria provided, single submitter. Criteria: Ambry Variant Classification Scheme 2023. Collection method: clinical testing. Allele origin: germline.
Comment: The p.T793A variant (also known as c.2377A>G), located in coding exon 14 of the FANCM gene, results from an A to G substitution at nucleotide position 2377. The threonine at codon 793 is replaced by alanine, an amino acid with similar properties. This amino acid position is conserved. In addition, this alteration is predicted to be tolerated by in silico analysis. Based on the available evidence, the clinical significance of this variant remains unclear.

Labcorp Genetics (formerly Invitae), Labcorp
Classification: Uncertain significance for Fanconi anemia. Last evaluated: 2021-12-22. Review status: criteria provided, single submitter. Criteria: Invitae Variant Classification Sherloc (09022015). Collection method: clinical testing. Allele origin: germline.
Comment: This sequence change replaces threonine, which is neutral and polar, with alanine, which is neutral and non-polar, at codon 793 of the FANCM protein (p.Thr793Ala). This variant is present in population databases (rs201232194, gnomAD 0.008%). This variant has not been reported in the literature in individuals affected with FANCM-related conditions. Algorithms developed to predict the effect of missense changes on protein structure and function output the following: SIFT: "Tolerated"; PolyPhen-2: "Benign"; Align-GVGD: "Class C0". The alanine amino acid residue is found in multiple mammalian species, which suggests that this missense change does not adversely affect protein function. In summary, the available evidence is currently insufficient to determine the role of this variant in disease. Therefore, it has been classified as a Variant of Uncertain Significance.

NM_020937.4(FANCM):c.2377A>G (p.Thr793Ala)

Gene: FANCM (FA complementation group M; plus strand). Cytogenetic location: 14q21.2.
Variant type: single nucleotide variant.
Coding change: c.2377A>G on transcript NM_020937.4 (MANE Select); coding-DNA position 2377, A replaced by G.
Protein change: p.Thr793Ala; replaces threonine 793 with alanine.
Molecular consequence: missense variant.
Genome position (GRCh38, 1-based): chr14:45,175,131, A>G. VCF-style: chr14-45175131-A-G. GRCh37 (hg19) VCF-style: chr14-45644334-A-G.
Other names: c.2299A>G, p.Thr767Ala (NM_001308133.2); short protein forms T793A, T767A.
Identifiers: ClinVar variation 2042133 (VCV002042133.5), dbSNP rs201232194, ClinGen allele CA7169344.